The following is an entry in ClinVar:

ClinVar aggregate classification (germline): Likely benign (1 of 4 stars; one submission).

Allele frequency attached by ClinVar (database versions not stated): ESP Exome Variant Server 0.00008; gnomAD 0.00005.
gnomAD v4.1: 30 of 1,613,324 alleles (0.0019%); highest among the groups gnomAD compares: Middle Eastern, 0.049%; no homozygotes.

Submission:

CeGaT Center for Human Genetics Tuebingen
Classification: Likely benign. Last evaluated: 2022-09-01. Review status: criteria provided, single submitter. Criteria: CeGaT Center For Human Genetics Tuebingen Variant Classification Criteria Version 2. Collection method: clinical testing. Allele origin: germline. Affected: yes. Observed: 1 variant allele.
Comment: KIAA1549L: BP4, BP7

NM_012194.3(KIAA1549L):c.6201G>A (p.Arg2067=)

Gene: KIAA1549L (KIAA1549 like; plus strand). Cytogenetic location: 11p13.
Variant type: single nucleotide variant.
Coding change: c.6201G>A on transcript NM_012194.3 (MANE Select); coding-DNA position 6201, G replaced by A.
Protein change: p.Arg2067=; no amino-acid change (arginine 2067 retained).
Molecular consequence: synonymous variant.
Genome position (GRCh38, 1-based): chr11:33,667,914, G>A. VCF-style: chr11-33667914-G-A. GRCh37 (hg19) VCF-style: chr11-33689460-G-A.
Other names: c.4011G>A, p.Arg1337= (NM_001410965.1).
Identifiers: ClinVar variation 2641718 (VCV002641718.24), dbSNP rs370815571, ClinGen allele CA219606967.